The following is an entry in ClinVar:

ClinVar aggregate classification (germline): Uncertain significance (1 of 4 stars; one submission).

Conditions:
Hereditary insensitivity to pain with anhidrosis (CIPA). Also called: HSAN Type IV; INSENSITIVITY TO PAIN, CONGENITAL, WITH ANHIDROSIS; hereditary sensory and autonomic neuropathy type 4; FAMILIAL DYSAUTONOMIA, TYPE II; NEUROPATHY, CONGENITAL SENSORY, WITH ANHIDROSIS; NTRK1 Congenital Insensitivity to Pain with Anhidrosis. Identifiers: Orphanet 642, MedGen C0020074, MONDO:0009746, OMIM 256800.

Submission:

Labcorp Genetics (formerly Invitae), Labcorp
Classification: Uncertain significance for Hereditary insensitivity to pain with anhidrosis. Last evaluated: 2018-07-02. Review status: criteria provided, single submitter. Criteria: Invitae Variant Classification Sherloc (09022015). Collection method: clinical testing. Allele origin: germline.
Comment: This sequence change replaces asparagine with histidine at codon 365 of the NTRK1 protein (p.Asn365His). The asparagine residue is highly conserved and there is a small physicochemical difference between asparagine and histidine. In summary, the available evidence is currently insufficient to determine the role of this variant in disease. Therefore, it has been classified as a Variant of Uncertain Significance. Algorithms developed to predict the effect of missense changes on protein structure and function (SIFT, PolyPhen-2, Align-GVGD) all suggest that this variant is likely to be disruptive, but these predictions have not been confirmed by published functional studies and their clinical significance is uncertain. This variant has not been reported in the literature in individuals with NTRK1-related disease. This variant is not present in population databases (ExAC no frequency).

NM_002529.4(NTRK1):c.1093A>C (p.Asn365His)

Gene: NTRK1 (neurotrophic receptor tyrosine kinase 1; plus strand). Cytogenetic location: 1q23.1.
Variant type: single nucleotide variant.
Coding change: c.1093A>C on transcript NM_002529.4 (MANE Select); coding-DNA position 1093, A replaced by C.
Protein change: p.Asn365His; replaces asparagine 365 with histidine.
Molecular consequence: missense variant.
Genome position (GRCh38, 1-based): chr1:156,873,875, A>C. VCF-style: chr1-156873875-A-C. GRCh37 (hg19) VCF-style: chr1-156843667-A-C.
Other names: c.1003A>C, p.Asn335His (NM_001007792.1); c.1093A>C, p.Asn365His (NM_001012331.2); short protein forms N335H, N365H.
Identifiers: ClinVar variation 643277 (VCV000643277.8), dbSNP rs1571696173, ClinGen allele CA342936168.